The following is an entry in ClinVar:

ClinVar aggregate classification (germline): Uncertain significance (1 of 4 stars; one submission).

Conditions:
Andersen Tawil syndrome (LQT7). Also called: Potassium-sensitive periodic paralysis, ventricular ectopy, and dysmorphic features; ANDERSEN CARDIODYSRHYTHMIC PERIODIC PARALYSIS; LONG QT SYNDROME 7; PERIODIC PARALYSIS, POTASSIUM-SENSITIVE CARDIODYSRHYTHMIC TYPE; Andersen Syndrome. Identifiers: Orphanet 37553, MedGen C1563715, MONDO:0008222, OMIM 170390.

Submission:

MVZ Medizinische Genetik Mainz
Classification: Uncertain significance for Andersen Tawil syndrome. Last evaluated: 2024-06-25. Review status: criteria provided, single submitter. Criteria: UK Practice Guidelines For Variant Classification V4 01 2020. Collection method: clinical testing. Allele origin: germline. Inheritance: Autosomal dominant inheritance. Affected: yes. Observed: 1 variant allele.
Comment: ACMG Criteria: PVS1_STR,PM2_SUP

NM_000891.3(KCNJ2):c.842del (p.Asp281fs)

Gene: KCNJ2 (potassium inwardly rectifying channel subfamily J member 2; plus strand). Cytogenetic location: 17q24.3.
Variant type: Deletion.
Coding change: c.842del on transcript NM_000891.3 (MANE Select); coding-DNA position 842, one base deleted (A; older notation c.842delA).
Protein change: p.Asp281fs; shifts the reading frame from aspartic acid 281.
Molecular consequence: frameshift variant.
Genome position (GRCh38, 1-based): chr17:70,175,881, A deleted. VCF-style (leftmost placement, unchanged base first): chr17-70175880-GA-G. GRCh37 (hg19) VCF-style: chr17-68172021-GA-G.
Other names: short protein forms D281fs.
Identifiers: ClinVar variation 3256864 (VCV003256864.1).